The following is an entry in ClinVar:

ClinVar aggregate classification (germline): Uncertain significance (1 of 4 stars; one submission).

Conditions:
Fibrous dysplasia of jaw (CRBM). Also called: Cherubism. Identifiers: Orphanet 184, MedGen C0008029, MONDO:0007315, OMIM 118400.

gnomAD v4.1: 6 of 1,600,524 alleles (0.00037%); highest among the groups gnomAD compares: Admixed American, 0.0017%; no homozygotes.

Submission:

Labcorp Genetics (formerly Invitae), Labcorp
Classification: Uncertain significance for Fibrous dysplasia of jaw. Last evaluated: 2026-01-13. Review status: criteria provided, single submitter. Criteria: Invitae Variant Classification Sherloc (09022015). Collection method: clinical testing. Allele origin: germline.
Comment: This sequence change replaces histidine, which is basic and polar, with glutamine, which is neutral and polar, at codon 541 of the SH3BP2 protein (p.His541Gln). This variant is present in population databases (rs779748713, gnomAD 0.003%). This variant has not been reported in the literature in individuals affected with SH3BP2-related conditions. ClinVar contains an entry for this variant (Variation ID: 1932492). Invitae Evidence Modeling of protein sequence and biophysical properties (such as structural, functional, and spatial information, amino acid conservation, physicochemical variation, residue mobility, and thermodynamic stability) indicates that this missense variant is not expected to disrupt SH3BP2 protein function with a negative predictive value of 95%. In summary, the available evidence is currently insufficient to determine the role of this variant in disease. Therefore, it has been classified as a Variant of Uncertain Significance.

NM_001122681.2(SH3BP2):c.1623C>G (p.His541Gln)

Gene: SH3BP2 (SH3 domain binding protein 2; plus strand). Cytogenetic location: 4p16.3.
Variant type: single nucleotide variant.
Coding change: c.1623C>G on transcript NM_001122681.2 (MANE Select); coding-DNA position 1623, C replaced by G.
Protein change: p.His541Gln; replaces histidine 541 with glutamine.
Molecular consequence: missense variant.
Genome position (GRCh38, 1-based): chr4:2,833,771, C>G. VCF-style: chr4-2833771-C-G. GRCh37 (hg19) VCF-style: chr4-2835498-C-G.
Other names: c.1707C>G, p.His569Gln (NM_001145855.2); c.1794C>G, p.His598Gln (NM_001145856.2); c.1623C>G, p.His541Gln (NM_003023.4); short protein forms H569Q, H541Q, H598Q.
Identifiers: ClinVar variation 1932492 (VCV001932492.5), dbSNP rs779748713, ClinGen allele CA2819645.